The following is an entry in ClinVar:

ClinVar aggregate classification (germline): Uncertain significance (1 of 4 stars; one submission).

Conditions:
Gastrointestinal stromal tumor. Also called: Gastrointestinal stromal tumor, somatic; Gastrointestinal stroma tumor. Identifiers: Orphanet 44890, MedGen C0238198, MeSH D046152, MONDO:0011719, OMIM 606764, HP:0100723.

Submission:

Labcorp Genetics (formerly Invitae), Labcorp
Classification: Uncertain significance for Gastrointestinal stromal tumor. Last evaluated: 2018-05-25. Review status: criteria provided, single submitter. Criteria: Invitae Variant Classification Sherloc (09022015). Collection method: clinical testing. Allele origin: germline.
Comment: In summary, the available evidence is currently insufficient to determine the role of this variant in disease. Therefore, it has been classified as a Variant of Uncertain Significance. Algorithms developed to predict the effect of missense changes on protein structure and function (SIFT, PolyPhen-2, Align-GVGD) all suggest that this variant is likely to be disruptive, but these predictions have not been confirmed by published functional studies and their clinical significance is uncertain. This variant has not been reported in the literature in individuals with KIT-related disease. This variant is not present in population databases (ExAC no frequency). This sequence change replaces serine with isoleucine at codon 891 of the KIT protein (p.Ser891Ile). The serine residue is highly conserved and there is a large physicochemical difference between serine and isoleucine.

NM_000222.3(KIT):c.2672G>T (p.Ser891Ile)

Gene: KIT (KIT proto-oncogene, receptor tyrosine kinase; plus strand). Cytogenetic location: 4q12.
Variant type: single nucleotide variant.
Coding change: c.2672G>T on transcript NM_000222.3 (MANE Select); coding-DNA position 2672, G replaced by T.
Protein change: p.Ser891Ile; replaces serine 891 with isoleucine.
Molecular consequence: missense variant.
Genome position (GRCh38, 1-based): chr4:54,736,796, G>T. VCF-style: chr4-54736796-G-T. GRCh37 (hg19) VCF-style: chr4-55602962-G-T.
Other names: c.2660G>T, p.Ser887Ile (NM_001093772.2, NM_001385292.1); c.2675G>T, p.Ser892Ile (NM_001385284.1); c.2669G>T, p.Ser890Ile (NM_001385285.1); c.2657G>T, p.Ser886Ile (NM_001385286.1); c.2663G>T, p.Ser888Ile (NM_001385288.1); c.2672G>T, p.Ser891Ile (NM_001385290.1); short protein forms S891I, S887I, S886I, S888I, S890I, S892I.
Identifiers: ClinVar variation 578876 (VCV000578876.9), dbSNP rs1560424985, ClinGen allele CA356914003.